The following is an entry in ClinVar:

ClinVar aggregate classification (germline): Likely benign (1 of 4 stars; one submission).

Submission:

CeGaT Center for Human Genetics Tuebingen
Classification: Likely benign. Last evaluated: 2026-05-01. Review status: criteria provided, single submitter. Criteria: CeGaT Center For Human Genetics Tuebingen Variant Classification Criteria Version 2. Collection method: clinical testing. Allele origin: germline. Affected: yes. Observed: 1 variant allele.
Comment: FZD8: PM2:Supporting, BP4, BP7

NM_031866.3(FZD8):c.1122C>A (p.Gly374=)

Gene: FZD8 (frizzled class receptor 8; minus strand). Cytogenetic location: 10p11.21.
Variant type: single nucleotide variant.
Coding change: c.1122C>A on transcript NM_031866.3 (MANE Select); coding-DNA position 1122, C replaced by A.
Protein change: p.Gly374=; no amino-acid change (glycine 374 retained).
Molecular consequence: synonymous variant.
Genome position (GRCh38, 1-based): chr10:35,640,308, G>T on the plus strand (C>A on the coding strand, the complement: FZD8 is on the minus strand). VCF-style: chr10-35640308-G-T. GRCh37 (hg19) VCF-style: chr10-35929236-G-T.
Identifiers: ClinVar variation 4872814 (VCV004872814.2).